The following is an entry in ClinVar:

NM_001134831.2(AHI1):c.2795G>A (p.Arg932His)

Gene: AHI1 (Abelson helper integration site 1; minus strand). Cytogenetic location: 6q23.3.
Variant type: single nucleotide variant.
Coding change: c.2795G>A on transcript NM_001134831.2 (MANE Select); coding-DNA position 2795, G replaced by A.
Protein change: p.Arg932His; replaces arginine 932 with histidine.
Molecular consequence: missense variant.
Genome position (GRCh38, 1-based): chr6:135,411,514, C>T on the plus strand (G>A on the coding strand, the complement: AHI1 is on the minus strand). VCF-style: chr6-135411514-C-T. GRCh37 (hg19) VCF-style: chr6-135732652-C-T.
Other names: c.2795G>A, p.Arg932His (NM_001134830.2, NM_001134832.2, NM_001350503.2 and 2 more transcripts); short protein forms R932H.
Identifiers: ClinVar variation 1396593 (VCV001396593.6), dbSNP rs1301526139, ClinGen allele CA365846186.

ClinVar aggregate classification (germline): Uncertain significance. Review status: criteria provided, multiple submitters, no conflicts (2 of 4 stars). 4 submissions from 4 submitters: Uncertain significance (4). Last evaluated 2026-05-06.

Conditions:
Joubert syndrome 3 (JBTS3). Also called: AHI1-related Ciliopathy. Identifiers: Orphanet 220493, MedGen C1837713, MONDO:0012078, OMIM 608629.
Joubert syndrome. Also called: Familial aplasia of the vermis; JOUBERT-BOLTSHAUSER SYNDROME. Identifiers: Orphanet 475, MedGen C5979921, MONDO:0018772.

Allele frequency attached by ClinVar (database versions not stated): gnomAD exomes below 0.00001 and 0.00001; TOPMed below 0.00001; gnomAD 0.00001.
gnomAD v4.1: 10 of 1,593,238 alleles (0.00063%); highest among the groups gnomAD compares: Admixed American, 0.0017%; no homozygotes.

Submissions (4):

Myriad Genetics, Inc.
Classification: Uncertain significance for Joubert syndrome 3. Last evaluated: 2026-05-06. Review status: criteria provided, single submitter. Criteria: Myriad Autosomal Dominant, Autosomal Recessive and X-Linked Classification Criteria (2023). Collection method: clinical testing. Allele origin: unknown.
Comment: NM_001134831.1(AHI1):c.2795G>A(R932H) is a missense variant classified as a variant of uncertain significance in the context of Joubert syndrome, AHI1-related. R932H has been observed in a case with relevant disease (PMID: 36819107). Relevant functional assessments of this variant are not available in the literature. R932H has been observed in referenced population frequency databases. In summary, there is insufficient evidence to classify NM_001134831.1(AHI1):c.2795G>A(R932H) as pathogenic or benign. Please note: this variant was assessed in the context of healthy population screening.

Labcorp Genetics (formerly Invitae), Labcorp
Classification: Uncertain significance for Joubert syndrome. Last evaluated: 2022-08-19. Review status: criteria provided, single submitter. Criteria: Invitae Variant Classification Sherloc (09022015). Collection method: clinical testing. Allele origin: germline.
Comment: This sequence change replaces arginine, which is basic and polar, with histidine, which is basic and polar, at codon 932 of the AHI1 protein (p.Arg932His). This variant is present in population databases (no rsID available, gnomAD 0.003%). This variant has not been reported in the literature in individuals affected with AHI1-related conditions. ClinVar contains an entry for this variant (Variation ID: 1396593). Advanced modeling of protein sequence and biophysical properties (such as structural, functional, and spatial information, amino acid conservation, physicochemical variation, residue mobility, and thermodynamic stability) performed at Invitae indicates that this missense variant is not expected to disrupt AHI1 protein function. In summary, the available evidence is currently insufficient to determine the role of this variant in disease. Therefore, it has been classified as a Variant of Uncertain Significance.

Fulgent Genetics
Classification: Uncertain significance for Joubert syndrome 3. Last evaluated: 2021-12-30. Review status: criteria provided, single submitter. Criteria: ACMG Guidelines, 2015. Collection method: clinical testing. Allele origin: unknown.

Blueprint Genetics
Classification: Uncertain significance. Last evaluated: 2020-01-28. Review status: criteria provided, single submitter. Criteria: ACMG Guidelines, 2015. Collection method: clinical testing. Allele origin: germline.

Literature cited by the submitters: PubMed 36819107 (cited by Myriad Genetics, Inc.).